The following is an entry in ClinVar:

NM_178857.6(RP1L1):c.905C>T (p.Pro302Leu)

Gene: RP1L1 (RP1 like 1). Cytogenetic location: 8p23.1.
Variant type: single nucleotide variant.
Coding change: c.905C>T on transcript NM_178857.6 (MANE Select); coding-DNA position 905, C replaced by T.
Protein change: p.Pro302Leu; replaces proline 302 with leucine.
Molecular consequence: missense variant.
Genome position (GRCh38, 1-based): chr8:10,613,193, G>A on the plus strand (C>T on the coding strand, the complement: RP1L1 is on the minus strand). VCF-style: chr8-10613193-G-A. GRCh37 (hg19) VCF-style: chr8-10470703-G-A.
Other names: short protein forms P302L.
Identifiers: ClinVar variation 911708 (VCV000911708.7), dbSNP rs759951793, ClinGen allele CA4625395.
Genomic context (GRCh38, chr8:10,613,193, plus strand): 5'-GACAGGCTGCCGTCCTCATTCATGCGGACCTTCTTCTTCATGTCATCGCCAGCCACCAGC[G>A]GGCCCGACTGAGCTGGCGTGTCCTGAGGGTGCCTGCCAGGAGCAGGGCCCACCGGGGGGT-3'
Protein context (NP_849188.4, residues 292-312): HPQDTPAQSG[Pro302Leu]LVAGDDMKKK

ClinVar aggregate classification (germline): Conflicting classifications of pathogenicity. Review status: criteria provided, conflicting classifications (1 of 4 stars). 4 submissions from 4 submitters: Uncertain significance (3); Likely benign (1). Last evaluated 2025-01-07.

Conditions:
RP1L1-related disorder. Also called: RP1L1-related condition.
Occult macular dystrophy (OCMD). Also called: OCCULT MACULAR DYSTROPHY, SUSCEPTIBILITY TO; OMD. Identifiers: Orphanet 247834, MedGen C3150833, MONDO:0013316, OMIM 613587, HP:0030636.

Allele frequency attached by ClinVar (database versions not stated): ExAC 0.00002; gnomAD exomes 0.00002 and 0.00003; gnomAD 0.00004; TOPMed 0.00005.
gnomAD v4.1: 43 of 1,613,510 alleles (0.0027%); highest among the groups gnomAD compares: South Asian, 0.0044%; no homozygotes.

Submissions (4):

PreventionGenetics, part of Exact Sciences
Classification: Uncertain significance for RP1L1-related condition. Last evaluated: 2025-01-07. Review status: criteria provided, single submitter. Criteria: ACMG Guidelines, 2015. Collection method: clinical testing. Allele origin: germline.
Comment: The RP1L1 c.905C>T variant is predicted to result in the amino acid substitution p.Pro302Leu. To our knowledge, this variant has not been reported in the literature. This variant is reported in 0.0048% of alleles in individuals of European (Non-Finnish) descent in gnomAD. At this time, the clinical significance of this variant is uncertain due to the absence of conclusive functional and genetic evidence.

Blueprint Genetics
Classification: Uncertain significance. Last evaluated: 2023-11-17. Review status: criteria provided, single submitter. Criteria: ACMG Guidelines, 2015. Collection method: clinical testing. Allele origin: germline.

GeneDx
Classification: Uncertain significance. Last evaluated: 2023-06-11. Review status: criteria provided, single submitter. Criteria: GeneDx Variant Classification Process June 2021. Collection method: clinical testing. Allele origin: germline. Affected: yes.
Comment: In silico analysis supports that this missense variant does not alter protein structure/function; Has not been previously published as pathogenic or benign to our knowledge

Illumina Laboratory Services, Illumina
Classification: Likely benign for Occult macular dystrophy. Last evaluated: 2018-01-12. Review status: criteria provided, single submitter. Criteria: ICSL Variant Classification Criteria 13 December 2019. Collection method: clinical testing. Allele origin: germline.
Comment: This variant was observed in the ICSL laboratory as part of a predisposition screen in an ostensibly healthy population. It had not been previously curated by ICSL or reported in the Human Gene Mutation Database (HGMD: prior to June 1st, 2018), and was therefore a candidate for classification through an automated scoring system. Utilizing variant allele frequency, disease prevalence and penetrance estimates, and inheritance mode, an automated score was calculated to assess if this variant is too frequent to cause the disease. Based on the score and internal cut-off values, a variant classified as likely benign is not then subjected to further curation. The score for this variant resulted in a classification of likely benign for this disease.